The following is an entry in ClinVar:

NM_182493.3(MYLK3):c.220G>A (p.Gly74Ser)

Gene: MYLK3 (myosin light chain kinase 3; minus strand). Cytogenetic location: 16q11.2.
Variant type: single nucleotide variant.
Coding change: c.220G>A on transcript NM_182493.3 (MANE Select); coding-DNA position 220, G replaced by A.
Protein change: p.Gly74Ser; replaces glycine 74 with serine.
Molecular consequence: missense variant. On other transcripts: intron variant (1).
Genome position (GRCh38, 1-based): chr16:46,747,974, C>T on the plus strand (G>A on the coding strand, the complement: MYLK3 is on the minus strand). VCF-style: chr16-46747974-C-T. GRCh37 (hg19) VCF-style: chr16-46781886-C-T.
Other names: c.-113-7827G>A (NM_001308301.1); short protein forms G74S.
Identifiers: ClinVar variation 2885876 (VCV002885876.3), dbSNP rs2548911493, ClinGen allele CA395798380.

ClinVar aggregate classification (germline): Uncertain significance (1 of 4 stars; one submission).

Submission:

Labcorp Genetics (formerly Invitae), Labcorp
Classification: Uncertain significance. Last evaluated: 2024-01-06. Review status: criteria provided, single submitter. Criteria: Invitae Variant Classification Sherloc (09022015). Collection method: clinical testing. Allele origin: germline.
Comment: This sequence change replaces glycine, which is neutral and non-polar, with serine, which is neutral and polar, at codon 74 of the MYLK3 protein (p.Gly74Ser). This variant is not present in population databases (gnomAD no frequency). This variant has not been reported in the literature in individuals affected with MYLK3-related conditions. Algorithms developed to predict the effect of missense changes on protein structure and function output the following: SIFT: "Not Available"; PolyPhen-2: "Benign"; Align-GVGD: "Not Available". The serine amino acid residue is found in multiple mammalian species, which suggests that this missense change does not adversely affect protein function. In summary, the available evidence is currently insufficient to determine the role of this variant in disease. Therefore, it has been classified as a Variant of Uncertain Significance.